The following is an entry in ClinVar:

ClinVar aggregate classification (germline): Benign. Review status: criteria provided, multiple submitters, no conflicts (2 of 4 stars). 2 submissions from 2 submitters: Benign (2). Last evaluated 2018-01-13.

Conditions:
Hereditary coproporphyria (HCP). Also called: Hereditary coproporphyria porphyria; Porphyria hepatica coproporphyria; Porphyria hepatica II; CPRO deficiency; COPROPORPHYRINOGEN OXIDASE DEFICIENCY; CPO DEFICIENCY. Identifiers: Orphanet 79273, MedGen C0162531, MONDO:0007369, OMIM 121300.

Allele frequency attached by ClinVar (database versions not stated): gnomAD 0.00193 and 0.00264; TOPMed 0.00324; 1000 Genomes Project 0.01098; 1000 Genomes Project 30x 0.01171.
gnomAD v4.1: 3,336 of 1,486,782 alleles (0.22%); highest among the groups gnomAD compares: East Asian, 4.4%; 89 homozygotes.

Submissions (2):

Illumina Laboratory Services, Illumina
Classification: Benign for Hereditary coproporphyria. Last evaluated: 2018-01-13. Review status: criteria provided, single submitter. Criteria: ICSL Variant Classification Criteria 13 December 2019. Collection method: clinical testing. Allele origin: germline.
Comment: This variant was observed in the ICSL laboratory as part of a predisposition screen in an ostensibly healthy population. It had not been previously curated by ICSL or reported in the Human Gene Mutation Database (HGMD: prior to June 1st, 2018), and was therefore a candidate for classification through an automated scoring system. Utilizing variant allele frequency, disease prevalence and penetrance estimates, and inheritance mode, an automated score was calculated to assess if this variant is too frequent to cause the disease. Based on the score and internal cut-off values, a variant classified as benign is not then subjected to further curation. The score for this variant resulted in a classification of benign for this disease.

Breakthrough Genomics
Classification: Benign. Review status: criteria provided, single submitter. Criteria: ACMG Guidelines, 2015. Collection method: not provided. Allele origin: germline. Inheritance: Autosomal recessive inheritance. Affected: yes.

NM_000097.7(CPOX):c.-54C>T

Genes: CPOX (coproporphyrinogen oxidase; minus strand), LOC129937121 (ATAC-STARR-seq lymphoblastoid silent region 14560; plus strand). Cytogenetic location: 3q11.2.
Variant type: single nucleotide variant.
Coding change: c.-54C>T on transcript NM_000097.7 (MANE Select); 54 bases upstream of the start codon, C replaced by T.
Molecular consequence: 5 prime UTR variant.
Genome position (GRCh38, 1-based): chr3:98,593,558, G>A on the plus strand (C>T on the coding strand, the complement: CPOX is on the minus strand). VCF-style: chr3-98593558-G-A. GRCh37 (hg19) VCF-style: chr3-98312402-G-A.
Other names: c.-54C>T (LRG_1077t1).
Identifiers: ClinVar variation 346999 (VCV000346999.6), dbSNP rs75986763, ClinGen allele CA10617627.
Genomic context (GRCh38, chr3:98,593,558, plus strand): 5'-AGGCCATGTTCCCGCACTATCACCTGGAGCAGTGCCTGCGTCCCAGAGCCCTGCGTTTGA[G>A]CCCCCCACCCAGACCCCCGGAGTATTGAGCCGGCGAGCTGCACAGGCGGAAAGAACCTTT-3'